The following is an entry in ClinVar:

ClinVar aggregate classification (germline): Uncertain significance (1 of 4 stars; one submission).

Submission:

GeneDx
Classification: Uncertain significance. Last evaluated: 2022-01-05. Review status: criteria provided, single submitter. Criteria: GeneDx Variant Classification Process June 2021. Collection method: clinical testing. Allele origin: germline. Affected: yes.
Comment: Not observed at significant frequency in large population cohorts (gnomAD); In silico analysis supports that this missense variant does not alter protein structure/function; Has not been previously published as pathogenic or benign to our knowledge

NM_005334.3(HCFC1):c.4366G>T (p.Val1456Leu)

Gene: HCFC1 (host cell factor C1; minus strand). Cytogenetic location: Xq28.
Variant type: single nucleotide variant.
Coding change: c.4366G>T on transcript NM_005334.3 (MANE Select); coding-DNA position 4366, G replaced by T.
Protein change: p.Val1456Leu; replaces valine 1456 with leucine.
Molecular consequence: missense variant.
Genome position (GRCh38, 1-based): chrX:153,953,738, C>A on the plus strand (G>T on the coding strand, the complement: HCFC1 is on the minus strand). VCF-style: chrX-153953738-C-A. GRCh37 (hg19) VCF-style: chrX-153219189-C-A.
Other names: short protein forms V1456L.
Identifiers: ClinVar variation 1695722 (VCV001695722.2), dbSNP rs2148567503, ClinGen allele CA415115321.